The following is an entry in ClinVar:

NM_001365276.2(TNXB):c.6188G>A (p.Arg2063His)

Gene: TNXB (tenascin XB; minus strand). Cytogenetic location: 6p21.33.
Variant type: single nucleotide variant.
Coding change: c.6188G>A on transcript NM_001365276.2 (MANE Select); coding-DNA position 6188, G replaced by A.
Protein change: p.Arg2063His; replaces arginine 2063 with histidine.
Molecular consequence: missense variant.
Genome position (GRCh38, 1-based): chr6:32,068,422, C>T on the plus strand (G>A on the coding strand, the complement: TNXB is on the minus strand). VCF-style: chr6-32068422-C-T. GRCh37 (hg19) VCF-style: chr6-32036199-C-T.
Other names: c.6929G>A, p.Arg2310His (NM_001428335.1); c.6188G>A, p.Arg2063His (NM_019105.8); short protein forms R2063H, R2310H.
Identifiers: ClinVar variation 3227299 (VCV003227299.3), dbSNP rs747409043, ClinGen allele CA136886534.

ClinVar aggregate classification (germline): Uncertain significance. Review status: criteria provided, multiple submitters, no conflicts (2 of 4 stars). 2 submissions from 2 submitters: Uncertain significance (2). Last evaluated 2024-06-19.

Conditions:
Cardiovascular phenotype. Identifiers: MedGen CN230736.

Allele frequency attached by ClinVar (database versions not stated): gnomAD 0.00001; TOPMed 0.00002.
gnomAD v4.1: 9 of 1,613,752 alleles (0.00056%); highest among the groups gnomAD compares: South Asian, 0.0044%; no homozygotes.

Submissions (2):

Ambry Genetics
Classification: Uncertain significance for Cardiovascular phenotype. Last evaluated: 2024-06-19. Review status: criteria provided, single submitter. Criteria: Ambry Variant Classification Scheme 2023. Collection method: clinical testing. Allele origin: germline.

GeneDx
Classification: Uncertain significance. Last evaluated: 2023-08-30. Review status: criteria provided, single submitter. Criteria: GeneDx Variant Classification Process June 2021. Collection method: clinical testing. Allele origin: germline. Affected: yes.
Comment: Not observed at significant frequency in large population cohorts (gnomAD); In silico analysis supports that this missense variant has a deleterious effect on protein structure/function; Has not been previously published as pathogenic or benign to our knowledge